The following is an entry in ClinVar:

ClinVar aggregate classification (germline): Conflicting classifications of pathogenicity. Review status: criteria provided, conflicting classifications (1 of 4 stars). 3 submissions from 3 submitters: Likely pathogenic (1); Uncertain significance (2). Last evaluated 2026-02-04.

Conditions:
Inborn genetic diseases. Identifiers: MedGen C0950123, MeSH D030342.

Allele frequency attached by ClinVar (database versions not stated): gnomAD exomes below 0.00001; TOPMed below 0.00001; ExAC 0.00001; gnomAD 0.00003; ESP Exome Variant Server 0.00008.
gnomAD v4.1: 11 of 1,614,052 alleles (0.00068%); highest among the groups gnomAD compares: African/African-American, 0.0027%; no homozygotes.

Submissions (3):

GeneDx
Classification: Likely pathogenic. Last evaluated: 2026-02-04. Review status: criteria provided, single submitter. Criteria: GeneDx Variant Classification Process June 2021. Collection method: clinical testing. Allele origin: germline.
Comment: In silico analysis supports that this missense variant has a deleterious effect on protein structure/function; Not observed at significant frequency in large population cohorts (gnomAD); Has not been previously published as pathogenic or benign to our knowledge

Labcorp Genetics (formerly Invitae), Labcorp
Classification: Uncertain significance. Last evaluated: 2025-04-18. Review status: criteria provided, single submitter. Criteria: Invitae Variant Classification Sherloc (09022015). Collection method: clinical testing. Allele origin: germline.
Comment: This sequence change replaces arginine, which is basic and polar, with histidine, which is basic and polar, at codon 944 of the CAD protein (p.Arg944His). The frequency data for this variant in the population databases is considered unreliable, as metrics indicate poor data quality at this position in the gnomAD database. This variant has not been reported in the literature in individuals affected with CAD-related conditions. ClinVar contains an entry for this variant (Variation ID: 1911473). An algorithm developed to predict the effect of missense changes on protein structure and function (PolyPhen-2) suggests that this variant is likely to be disruptive. In summary, the available evidence is currently insufficient to determine the role of this variant in disease. Therefore, it has been classified as a Variant of Uncertain Significance.

Ambry Genetics
Classification: Uncertain significance for Inborn genetic diseases. Last evaluated: 2021-07-23. Review status: criteria provided, single submitter. Criteria: Ambry Variant Classification Scheme 2023. Collection method: clinical testing. Allele origin: germline.

NM_004341.5(CAD):c.2831G>A (p.Arg944His)

Genes: CAD (carbamoyl-phosphate synthetase 2, aspartate transcarbamylase, and dihydroorotase; plus strand), LOC126806171 (BRD4-independent group 4 enhancer GRCh37_chr2:27454350-27455549; plus strand). Cytogenetic location: 2p23.3.
Variant type: single nucleotide variant.
Coding change: c.2831G>A on transcript NM_004341.5 (MANE Select); coding-DNA position 2831, G replaced by A.
Protein change: p.Arg944His; replaces arginine 944 with histidine.
Molecular consequence: missense variant.
Genome position (GRCh38, 1-based): chr2:27,232,633, G>A. VCF-style: chr2-27232633-G-A. GRCh37 (hg19) VCF-style: chr2-27455501-G-A.
Other names: c.2642G>A, p.Arg881His (NM_001306079.2); short protein forms R881H, R944H.
Identifiers: ClinVar variation 1911473 (VCV001911473.7), dbSNP rs141169282, ClinGen allele CA1573108.
Genomic context (GRCh38, chr2:27,232,633, plus strand): 5'-CCACCCATGACCTCACCTTTCGAACACCTCATGTCCTAGTCCTTGGCTCTGGCGTCTACC[G>A]TATTGGCTCTAGCGTTGAATTTGACTGGTGTGCTGTAGGCTGCATCCAGCAGCTCCGAAA-3'
Protein context (NP_004332.2, residues 934-954): HVLVLGSGVY[Arg944His]IGSSVEFDWC